The following is an entry in ClinVar:

NM_000548.5(TSC2):c.1770G>C (p.Leu590=)

Gene: TSC2 (TSC complex subunit 2; plus strand). Cytogenetic location: 16p13.3.
Variant type: single nucleotide variant.
Coding change: c.1770G>C on transcript NM_000548.5 (MANE Select); coding-DNA position 1770, G replaced by C.
Protein change: p.Leu590=; no amino-acid change (leucine 590 retained).
Molecular consequence: synonymous variant.
Genome position (GRCh38, 1-based): chr16:2,070,509, G>C. VCF-style: chr16-2070509-G-C. GRCh37 (hg19) VCF-style: chr16-2120510-G-C.
Other names: c.1770G>C, p.Leu590= (NM_001077183.3, NM_001114382.3, NM_001363528.2 and 3 more transcripts); c.1659G>C, p.Leu553= (NM_001318827.2); c.1623G>C, p.Leu541= (NM_001318829.2); c.1170G>C, p.Leu390= (NM_001318831.2); c.1803G>C, p.Leu601= (NM_001318832.2).
Identifiers: ClinVar variation 757322 (VCV000757322.14), dbSNP rs778109774, ClinGen allele CA033454.

ClinVar aggregate classification (germline): Benign/Likely benign. Review status: criteria provided, multiple submitters, no conflicts (2 of 4 stars). 3 submissions from 3 submitters: Benign (1); Likely benign (2). Last evaluated 2025-05-21.

Conditions:
Tuberous sclerosis 2 (TSC2). Identifiers: Orphanet 805, MedGen C1860707, MONDO:0013199, OMIM 613254.
Hereditary cancer-predisposing syndrome. Also called: Tumor predisposition; Hereditary Cancer Syndrome; Neoplastic Syndromes, Hereditary; Hereditary neoplastic syndrome. Identifiers: Orphanet 140162, MedGen C0027672, MeSH D009386, MONDO:0015356.

Allele frequency attached by ClinVar (database versions not stated): gnomAD exomes below 0.00001; ExAC 0.00001.
gnomAD v4.1: 2 of 1,613,420 alleles (0.00012%); highest among the groups gnomAD compares: South Asian, 0.0011%; no homozygotes.

Submissions (3):

Labcorp Genetics (formerly Invitae), Labcorp
Classification: Likely benign for Tuberous sclerosis 2. Last evaluated: 2025-05-21. Review status: criteria provided, single submitter. Criteria: Invitae Variant Classification Sherloc (09022015). Collection method: clinical testing. Allele origin: germline.

Myriad Genetics, Inc.
Classification: Benign for Tuberous sclerosis 2. Last evaluated: 2025-05-15. Review status: criteria provided, single submitter. Criteria: Myriad Autosomal Dominant, Autosomal Recessive and X-Linked Classification Criteria (2023). Collection method: clinical testing. Allele origin: unknown.
Comment: This variant is considered benign. This variant is a silent/synonymous amino acid change and it is not expected to impact splicing.

Ambry Genetics
Classification: Likely benign for Hereditary cancer-predisposing syndrome. Last evaluated: 2022-10-24. Review status: criteria provided, single submitter. Criteria: Ambry Variant Classification Scheme 2023. Collection method: clinical testing. Allele origin: germline.